The following is an entry in ClinVar:

NM_016932.5(SIX2):c.347_349del (p.Pro116del)

Gene: SIX2 (SIX homeobox 2; minus strand). Cytogenetic location: 2p21.
Variant type: Deletion.
Coding change: c.347_349del on transcript NM_016932.5 (MANE Select); coding-DNA positions 347 to 349, 3 bases deleted (CGC; older notation c.347_349delCGC).
Protein change: p.Pro116del; deletes proline 116.
Molecular consequence: inframe deletion.
Genome position (GRCh38, 1-based): chr2:45,008,762-45,008,764, GCG deleted on the plus strand (CGC on the coding strand, the reverse complement: SIX2 is on the minus strand); deleting any 3 consecutive bases within chr2:45,008,762-45,008,765 gives the same sequence; the c. name uses the placement nearest the transcript's 3' end. VCF-style (leftmost placement, unchanged base first): chr2-45008761-AGCG-A. GRCh37 (hg19) VCF-style: chr2-45235900-AGCG-A.
Other names: short protein forms P116del.
Identifiers: ClinVar variation 3615465 (VCV003615465.2).
Genomic context (GRCh38, chr2:45,008,761, plus strand): 5'-CTGCGACTCTTTTCCTTGAAGCAGTAGCTGGTCTCCTCGCCGTCCCAGATGGAGCGCGGC[AGCG>A]GGAATTTGCGGCGCACGCGGTATTTGCCCACGGCGCCCAGGGGTCGGCCGCGCAGCTTCT-3'

ClinVar aggregate classification (germline): Uncertain significance (1 of 4 stars; one submission).

Submission:

Labcorp Genetics (formerly Invitae), Labcorp
Classification: Uncertain significance. Last evaluated: 2025-01-29. Review status: criteria provided, single submitter. Criteria: Invitae Variant Classification Sherloc (09022015). Collection method: clinical testing. Allele origin: germline.
Comment: This variant, c.347_349del, results in the deletion of 1 amino acid(s) of the SIX2 protein (p.Pro116del), but otherwise preserves the integrity of the reading frame. This variant is not present in population databases (gnomAD no frequency). This variant has not been reported in the literature in individuals affected with SIX2-related conditions. Experimental studies and prediction algorithms are not available or were not evaluated, and the functional significance of this variant is currently unknown. In summary, the available evidence is currently insufficient to determine the role of this variant in disease. Therefore, it has been classified as a Variant of Uncertain Significance.